The following is an entry in ClinVar:

ClinVar aggregate classification (germline): Conflicting classifications of pathogenicity. Review status: criteria provided, conflicting classifications (1 of 4 stars). 9 submissions from 9 submitters: Uncertain significance (6); Likely benign (3). Last evaluated 2026-05-07.

Conditions:
TTN-related disorder. Also called: TTN-related condition; TTN-related disease; TTN-related disorders.

Allele frequency attached by ClinVar (database versions not stated): gnomAD 0.00004 and 0.00005; TOPMed 0.00005; gnomAD exomes 0.00006 and 0.00007; ExAC 0.00007; ESP Exome Variant Server 0.00017.
gnomAD v4.1: 94 of 1,613,738 alleles (0.0058%); highest among the groups gnomAD compares: Middle Eastern, 0.4%; no homozygotes.

Submissions (9):

PreventionGenetics, part of Exact Sciences
Classification: Uncertain significance for TTN-related condition. Last evaluated: 2026-05-07. Review status: criteria provided, single submitter. Criteria: ACMG Guidelines, 2015. Collection method: clinical testing. Allele origin: germline.
Comment: The TTN c.24107C>T variant is predicted to result in the amino acid substitution p.Ser8036Leu. To our knowledge, this variant has not been reported in the literature. This variant is reported in 0.012% of alleles in individuals of European (Non-Finnish) descent in gnomAD. At this time, the clinical significance of this variant is uncertain due to the absence of conclusive functional and genetic evidence.

Molecular Diagnostic Laboratory for Inherited Cardiovascular Disease, Montreal Heart Institute
Classification: Likely benign. Last evaluated: 2025-04-09. Review status: criteria provided, single submitter. Criteria: ACMG Guidelines, 2015. Collection method: clinical testing. Allele origin: germline. Affected: no.
Comment: BS1

CeGaT Center for Human Genetics Tuebingen
Classification: Uncertain significance. Last evaluated: 2025-03-01. Review status: criteria provided, single submitter. Criteria: CeGaT Center For Human Genetics Tuebingen Variant Classification Criteria Version 2. Collection method: clinical testing. Allele origin: germline. Affected: yes. Observed: 2 variant alleles.
Comment: TTN: PM2:Supporting, BP4

Blueprint Genetics
Classification: Likely benign. Last evaluated: 2024-09-20. Review status: criteria provided, single submitter. Criteria: ACMG Guidelines, 2015. Collection method: clinical testing. Allele origin: germline.

GeneDx
Classification: Likely benign. Last evaluated: 2020-02-06. Review status: criteria provided, single submitter. Criteria: GeneDx Variant Classification Process June 2021. Collection method: clinical testing. Allele origin: germline. Affected: yes.
Comment: Missense variant in a gene in which most reported pathogenic variants are truncating/loss-of-function; In silico analysis supports that this missense variant does not alter protein structure/function; Reported in ClinVar (ClinVar Variant ID# 46723; Landrum et al., 2016); This variant is associated with the following publications: (PMID: 23861362)

Athena Diagnostics
Classification: Uncertain significance. Last evaluated: 2018-05-17. Review status: criteria provided, single submitter. Criteria: Athena Diagnostics Criteria. Collection method: clinical testing. Allele origin: germline.

Genetic Services Laboratory, University of Chicago
Classification: Uncertain significance. Last evaluated: 2015-01-20. Review status: criteria provided, single submitter. Criteria: ACMG Guidelines, 2015. Collection method: clinical testing. Allele origin: germline.

Biesecker Lab/Clinical Genomics Section, National Institutes of Health
Classification: Uncertain significance. Last evaluated: 2013-06-24. Review status: criteria provided, single submitter. Criteria: Ng et al. (Circ Cardiovasc Genet. 2013). Collection method: research. Allele origin: unknown. Observed: 1 variant allele. Study: ClinSeq.
Comment: The study set was not selected for affection status in relation to any cancer. Pathogenicity categories were based on literature curation. See Pubmed ID:23861362 for details.

Medical sequencing

Laboratory for Molecular Medicine, Mass General Brigham Personalized Medicine
Classification: Uncertain significance. Last evaluated: 2012-07-02. Review status: criteria provided, single submitter. Criteria: LMM Criteria. Collection method: clinical testing. Allele origin: germline. Observed: 1 variant allele.
Comment: Variant classified as Uncertain Significance - Favor Benign. The Ser6792Leu vari ant in TTN has been identified in 2/8252 European American chromosomes from a br oad population by the NHLBI Exome Sequencing Project (du/EVS/). Computational analyses (biochemical amino acid properties, conservatio n, AlignGVGD, PolyPhen2, and SIFT) suggest that the Ser6792Leu variant may not i mpact the protein, though this information is not predictive enough to rule out pathogenicity. Although this data supports that the Ser6792Leu variant may be be nign, additional studies are needed to fully assess its clinical significance.

Literature cited by the submitters: PubMed 23861362 (cited by Athena Diagnostics).

NM_001267550.2(TTN):c.24107C>T (p.Ser8036Leu)

Gene: TTN (titin; minus strand). Cytogenetic location: 2q31.2.
Variant type: single nucleotide variant.
Coding change: c.24107C>T on transcript NM_001267550.2 (MANE Select); coding-DNA position 24107, C replaced by T.
Protein change: p.Ser8036Leu; replaces serine 8036 with leucine.
Molecular consequence: missense variant. On other transcripts: intron variant (3).
Genome position (GRCh38, 1-based): chr2:178,719,283, G>A on the plus strand (C>T on the coding strand, the complement: TTN is on the minus strand). VCF-style: chr2-178719283-G-A. GRCh37 (hg19) VCF-style: chr2-179584010-G-A.
Other names: p.S7719L:TCG>TTG; c.23156C>T, p.Ser7719Leu (NM_001256850.1); c.20375C>T, p.Ser6792Leu (NM_133378.4); c.13282+18799C>T (NM_003319.4); c.13858+18799C>T (NM_133437.4); c.13657+18799C>T (NM_133432.3); short protein forms S8036L, S6792L, S7719L.
Identifiers: ClinVar variation 46723 (VCV000046723.41), dbSNP rs200598509, ClinGen allele CA139047.